The following is an entry in ClinVar:

NM_003900.5(SQSTM1):c.96G>A (p.Glu32=)

Gene: SQSTM1 (sequestosome 1; plus strand). Cytogenetic location: 5q35.3.
Variant type: single nucleotide variant.
Coding change: c.96G>A on transcript NM_003900.5 (MANE Select); coding-DNA position 96, G replaced by A.
Protein change: p.Glu32=; no amino-acid change (glutamic acid 32 retained).
Molecular consequence: synonymous variant. On other transcripts: intron variant (2).
Genome position (GRCh38, 1-based): chr5:179,821,032, G>A. VCF-style: chr5-179821032-G-A. GRCh37 (hg19) VCF-style: chr5-179248032-G-A.
Other names: c.-47-1926G>A (NM_001142298.2, NM_001142299.2); c.96G>A (NM_003900.4).
Identifiers: ClinVar variation 1975551 (VCV001975551.6), dbSNP rs2480198995, ClinGen allele CA448057271.

ClinVar aggregate classification (germline): Likely benign. Review status: criteria provided, single submitter (1 of 4 stars). 2 submissions from 2 submitters: Likely benign (1). 1 of the submissions does not count toward it. Last evaluated 2022-06-09.

Conditions:
Paget disease of bone 2, early-onset (PDB2). Also called: Paget disease of bone 2. Identifiers: MedGen C4085251, MONDO:0011183, OMIM 602080.
Frontotemporal dementia and/or amyotrophic lateral sclerosis 1 (FTDALS1). Also called: Frontotemporal dementia with motor neuron disease 1; C9orf72 Frontotemporal Dementia and/or Amyotrophic Lateral Sclerosis. Identifiers: Orphanet 275872, MedGen C5779877, MONDO:0007105, OMIM 105550.
SQSTM1-related disorder. Also called: SQSTM1-Related Disorders.

Allele frequency attached by ClinVar (database versions not stated): gnomAD exomes below 0.00001.

Submissions (2):

Labcorp Genetics (formerly Invitae), Labcorp
Classification: Likely benign for Paget disease of bone 2, early-onset; Frontotemporal dementia and/or amyotrophic lateral sclerosis 1. Last evaluated: 2022-06-09. Review status: criteria provided, single submitter. Criteria: Invitae Variant Classification Sherloc (09022015). Collection method: clinical testing. Allele origin: germline.

PreventionGenetics, part of Exact Sciences
Classification: Likely benign for SQSTM1-related condition. Last evaluated: 2023-08-23. Review status: no assertion criteria provided. Collection method: clinical testing. Allele origin: germline. Not counted in ClinVar's aggregate classification.
Comment: This variant is classified as likely benign based on ACMG/AMP sequence variant interpretation guidelines (Richards et al. 2015 PMID: 25741868, with internal and published modifications).